The following is an entry in ClinVar:

NM_004260.4(RECQL4):c.1129C>T (p.Gln377Ter)

Gene: RECQL4 (RecQ like helicase 4; minus strand). Cytogenetic location: 8q24.3.
Variant type: single nucleotide variant.
Coding change: c.1129C>T on transcript NM_004260.4 (MANE Select); coding-DNA position 1129, C replaced by T.
Protein change: p.Gln377Ter; replaces glutamine 377 with a stop codon.
Molecular consequence: nonsense.
Genome position (GRCh38, 1-based): chr8:144,515,990, G>A on the plus strand (C>T on the coding strand, the complement: RECQL4 is on the minus strand). VCF-style: chr8-144515990-G-A. GRCh37 (hg19) VCF-style: chr8-145741374-G-A.
Other names: short protein forms Q377*.
Identifiers: ClinVar variation 946415 (VCV000946415.6), dbSNP rs372521987, ClinGen allele CA372687927.

ClinVar aggregate classification (germline): Pathogenic (1 of 4 stars; one submission).

Conditions:
Baller-Gerold syndrome (BGS). Also called: CRANIOSYNOSTOSIS WITH RADIAL DEFECTS. Identifiers: Orphanet 1225, MedGen C0265308, MONDO:0009039, OMIM 218600.

gnomAD v4.1: 19 of 1,609,556 alleles (0.0012%); highest among the groups gnomAD compares: Non-Finnish European, 0.0016%; no homozygotes.

Submission:

Labcorp Genetics (formerly Invitae), Labcorp
Classification: Pathogenic for Baller-Gerold syndrome. Last evaluated: 2023-05-09. Review status: criteria provided, single submitter. Criteria: Invitae Variant Classification Sherloc (09022015). Collection method: clinical testing. Allele origin: germline.
Comment: ClinVar contains an entry for this variant (Variation ID: 946415). This variant has not been reported in the literature in individuals affected with RECQL4-related conditions. This variant is not present in population databases (gnomAD no frequency). This sequence change creates a premature translational stop signal (p.Gln377*) in the RECQL4 gene. It is expected to result in an absent or disrupted protein product. Loss-of-function variants in RECQL4 are known to be pathogenic (PMID: 12734318, 12952869). Algorithms developed to predict the effect of sequence changes on RNA splicing suggest that this variant may create or strengthen a splice site. For these reasons, this variant has been classified as Pathogenic.

Literature cited by the submitters: PubMed 12734318; PubMed 12952869.